The following is an entry in ClinVar:

NM_000222.3(KIT):c.1490T>C (p.Val497Ala)

Gene: KIT (KIT proto-oncogene, receptor tyrosine kinase; plus strand). Cytogenetic location: 4q12.
Variant type: single nucleotide variant.
Coding change: c.1490T>C on transcript NM_000222.3 (MANE Select); coding-DNA position 1490, T replaced by C.
Protein change: p.Val497Ala; replaces valine 497 with alanine.
Molecular consequence: missense variant.
Genome position (GRCh38, 1-based): chr4:54,726,000, T>C. VCF-style: chr4-54726000-T-C. GRCh37 (hg19) VCF-style: chr4-55592166-T-C.
Other names: c.1490T>C, p.Val497Ala (NM_001093772.2, NM_001385285.1, NM_001385286.1); c.1493T>C, p.Val498Ala (NM_001385284.1, NM_001385288.1, NM_001385290.1 and 1 more transcripts); short protein forms V497A, V498A.
Identifiers: ClinVar variation 2845319 (VCV002845319.3), dbSNP rs2475537300, ClinGen allele CA356906538.

ClinVar aggregate classification (germline): Uncertain significance (1 of 4 stars; one submission).

Conditions:
Gastrointestinal stromal tumor. Also called: Gastrointestinal stromal tumor, somatic; Gastrointestinal stroma tumor. Identifiers: Orphanet 44890, MedGen C0238198, MeSH D046152, MONDO:0011719, OMIM 606764, HP:0100723.

Submission:

Labcorp Genetics (formerly Invitae), Labcorp
Classification: Uncertain significance for Gastrointestinal stromal tumor. Last evaluated: 2025-05-22. Review status: criteria provided, single submitter. Criteria: Invitae Variant Classification Sherloc (09022015). Collection method: clinical testing. Allele origin: germline.
Comment: This sequence change replaces valine, which is neutral and non-polar, with alanine, which is neutral and non-polar, at codon 497 of the KIT protein (p.Val497Ala). This variant is not present in population databases (gnomAD no frequency). This variant has not been reported in the literature in individuals affected with KIT-related conditions. ClinVar contains an entry for this variant (Variation ID: 2845319). An algorithm developed to predict the effect of missense changes on protein structure and function (PolyPhen-2) suggests that this variant is likely to be tolerated. In summary, the available evidence is currently insufficient to determine the role of this variant in disease. Therefore, it has been classified as a Variant of Uncertain Significance.